The following is an entry in ClinVar:

NM_001029896.2(WDR45):c.746CCT[1] (p.Ser250del)

Gene: WDR45 (WD repeat domain 45; minus strand). Cytogenetic location: Xp11.23.
Variant type: Microsatellite.
Coding change: c.746CCT[1] on transcript NM_001029896.2 (MANE Select); one copy of the 3-base unit CCT starting at c.746; the reference has two copies in a row; one copy, 3 bases deleted; also written c.749_751del.
Protein change: p.Ser250del; deletes serine 250.
Molecular consequence: inframe deletion.
Genome position (GRCh38, 1-based): chrX:49,075,440-49,075,442, AGG deleted on the plus strand (CCT on the coding strand, the reverse complement: WDR45 is on the minus strand); deleting any 3 consecutive bases within chrX:49,075,440-49,075,447 gives the same sequence; the position shown is the placement nearest the transcript's 3' end. VCF-style (leftmost placement, unchanged base first): chrX-49075439-AAGG-A. GRCh37 (hg19) VCF-style: chrX-48933098-AAGG-A.
Other names: c.749CCT[1], p.Ser251del (NM_007075.4); c.752_754delCCT (NM_007075.4, NM_007075.3); c.749_751del (NM_001029896.2); short protein forms S251del, S250del.
Identifiers: ClinVar variation 418542 (VCV000418542.24), dbSNP rs1064793294, ClinGen allele CA16621425.

ClinVar aggregate classification (germline): Pathogenic/Likely pathogenic. Review status: criteria provided, multiple submitters, no conflicts (2 of 4 stars). 11 submissions from 11 submitters: Pathogenic (7); Likely pathogenic (2). 2 of the submissions do not count toward it. Last evaluated 2025-12-16.

Conditions:
Neurodegeneration with brain iron accumulation 5 (NBIA5). Also called: STATIC ENCEPHALOPATHY OF CHILDHOOD WITH NEURODEGENERATION IN ADULTHOOD; Beta-propeller protein-associated neurodegeneration. Identifiers: Orphanet 329284, MedGen C3550973, MONDO:0010476, OMIM 300894.
Seizure. Also called: Seizures. Identifiers: MedGen C0036572, HP:0001250.
Inborn genetic diseases. Identifiers: MedGen C0950123, MeSH D030342.

Submissions (11):

Women's Health and Genetics/Laboratory Corporation of America, LabCorp
Classification: Pathogenic for Neurodegeneration with brain iron accumulation 5. Last evaluated: 2025-12-16. Review status: criteria provided, single submitter. Criteria: LabCorp Variant Classification Summary - May 2015. Collection method: clinical testing. Allele origin: germline.
Comment: Variant summary: WDR45 c.752_754delCCT (p.Ser251del) results in an in-frame deletion that is predicted to remove one amino acids from the encoded protein. The variant was absent in 177374 control chromosomes. c.752_754delCCT has been observed in individual(s) affected with Neurodegeneration With Brain Iron Accumulation 5 (Verhoeven_2014, Redon_2017), and observed de novo in at least one individual. These data indicate that the variant may be associated with disease. To our knowledge, no experimental evidence demonstrating an impact on protein function has been reported. The following publications have been ascertained in the context of this evaluation (PMID: 24368176, 28371320). ClinVar contains an entry for this variant (Variation ID: 418542). Based on the evidence outlined above, the variant was classified as pathogenic.

Cytogénomique, Hospices Civils de Lyon
Classification: Likely pathogenic for Seizure. Last evaluated: 2025-05-16. Review status: criteria provided, single submitter. Criteria: ACMG Guidelines, 2015. Collection method: clinical testing. Allele origin: maternal. Affected: yes.

Revvity Omics, Revvity
Classification: Pathogenic for Neurodegeneration with brain iron accumulation 5. Last evaluated: 2025-02-26. Review status: criteria provided, single submitter. Criteria: ACMG Guidelines, 2015. Collection method: clinical testing. Allele origin: germline.

3billion
Classification: Pathogenic for Neurodegeneration with brain iron accumulation 5. Last evaluated: 2025-01-22. Review status: criteria provided, single submitter. Criteria: ACMG Guidelines, 2015. Collection method: clinical testing. Allele origin: germline. Affected: yes.
Comment: The variant is not observed in the gnomAD v4.1.0 dataset. Predicted Consequence/Location: Inframe deletion located in a nonrepeat region: predicted to change the length of the protein and disrupt normal protein function. The variant has been observed in at least two similarly affected unrelated individuals (PMID: 24368176, 28371320). The variant has been reported at least twice as pathogenic with clinical assertions and evidence for the classification (ClinVar ID: VCV000418542 /PMID: 24368176). Therefore, this variant is classified as Pathogenic according to the recommendation of ACMG/AMP guideline.

Victorian Clinical Genetics Services, Murdoch Childrens Research Institute
Classification: Pathogenic for Neurodegeneration with brain iron accumulation 5. Last evaluated: 2024-10-08. Review status: criteria provided, single submitter. Criteria: ACMG Guidelines, 2015. Collection method: clinical testing. Allele origin: germline. Inheritance: X-linked dominant inheritance. Affected: yes.
Comment: Based on the classification scheme VCGS_Germline_v1.3.4, this variant is classified as Pathogenic. Following criteria are met: 0102 - Loss of function is a known mechanism of disease in this gene and is associated with neurodegeneration with brain iron accumulation 5 (MIM#300894). (I) 0110 - This gene is associated with X-linked dominant disease. (I) 0213 - In-frame insertion/deletion in a non-repetitive region that has high conservation. (SP) 0253 - This variant is hemizygous. (I) 0301 - Variant is absent from gnomAD (both v2 and v3). (SP) 0600 - Variant is located in the annotated proppin repeat (DECIPHER). (I) 0801 - This variant has strong previous evidence of pathogenicity in unrelated individuals. It has been reported as likely pathogenic and pathogenic (ClinVar), and observed as heterozygous and hemizygous in multiple affected individuals (PMID: 28371320; PMID: 24368176; DECIPHER). (SP) Legend: (SP) - Supporting pathogenic, (I) - Information, (SB) - Supporting benign

Labcorp Genetics (formerly Invitae), Labcorp
Classification: Pathogenic for Neurodegeneration with brain iron accumulation 5. Last evaluated: 2023-06-14. Review status: criteria provided, single submitter. Criteria: Invitae Variant Classification Sherloc (09022015). Collection method: clinical testing. Allele origin: germline.
Comment: For these reasons, this variant has been classified as Pathogenic. ClinVar contains an entry for this variant (Variation ID: 418542). This variant has been observed in individual(s) with neurodegeneration with brain iron accumulation (PMID: 24368176, 28371320). In at least one individual the variant was observed to be de novo. This variant is not present in population databases (gnomAD no frequency). This variant, c.752_754del, results in the deletion of 1 amino acid(s) of the WDR45 protein (p.Ser251del), but otherwise preserves the integrity of the reading frame.

GeneDx
Classification: Pathogenic. Last evaluated: 2022-09-04. Review status: criteria provided, single submitter. Criteria: GeneDx Variant Classification Process June 2021. Collection method: clinical testing. Allele origin: germline. Affected: yes.
Comment: Not observed in large population cohorts (gnomAD); In-frame deletion of 1 amino acids in a non-repeat region; In silico analysis supports a deleterious effect on protein structure/function; This variant is associated with the following publications: (PMID: 24368176, 26577041, 28371320, 26633542, 29445477)

Mendelics
Classification: Pathogenic for Neurodegeneration with brain iron accumulation 5. Last evaluated: 2022-05-04. Review status: criteria provided, single submitter. Criteria: Mendelics Assertion Criteria 2019. Collection method: clinical testing. Allele origin: germline.

Ambry Genetics
Classification: Likely pathogenic for Inborn genetic diseases. Last evaluated: 2018-03-09. Review status: criteria provided, single submitter. Criteria: Ambry exome assertion method (8-5-2015). Collection method: clinical testing. Allele origin: germline. Affected: yes. Observed: 1 variant allele.

Solve-RD Consortium
Classification: Likely pathogenic for Neurodegeneration with brain iron accumulation 5. Last evaluated: 2022-06-01. Review status: no assertion criteria provided. Collection method: provider interpretation. Allele origin: inherited. Affected: yes. Not counted in ClinVar's aggregate classification.
Comment: Variant confirmed as disease-causing by referring clinical team

Variant identified during reanalysis of unsolved cases by the Solve-RD project. The Solve-RD project has received funding from the European Union’s Horizon 2020 research and innovation programme under grant agreement No 779257.

Clinical Genomics Laboratory, Stanford Medicine
Classification: Pathogenic for Neurodegeneration with brain iron accumulation 5. Last evaluated: 2019-10-08. Review status: no assertion criteria provided. Collection method: clinical testing. Allele origin: germline. Inheritance: X-linked inheritance. Affected: yes. Not counted in ClinVar's aggregate classification.
Comment: The p.Ser251del variant in the WDR45 gene has been previously reported in 5 unrelated individuals with BPAN or WDR45-associated clinical features (Verhoeven et al., 2014; Redon et al., 2017; ClinVar Accession VCV000418542.2; GeneDx, personal communication, October 3, 2019). In three of these reported individuals, the p.Ser251del variant occurred de novo. This variant was absent from large population databases, including the Genome Aggregation Database. The p.Ser251del variant results in an in-frame deletion of 1 amino acid, and computational tools predict that this variant is deleterious; however, the accuracy of in silico algorithms is limited. These data were assessed using the ACMG/AMP variant interpretation guidelines. In summary, there is sufficient evidence to classify the p.Ser251del variant as pathogenic for X-linked Beta-propeller protein-associated neurodegeneration based on the information above. [ACMG evidence codes used: PS2_VeryStrong; PM2; PP3]

Literature cited by the submitters: PubMed 28371320 (cited by 5 submitters); PubMed 24368176 (cited by 5 submitters); PubMed 39825153 (cited by Solve-RD Consortium).